The following is an entry in ClinVar:

NM_198904.4(GABRG2):c.*2095C>G

Gene: GABRG2 (gamma-aminobutyric acid type A receptor subunit gamma2; plus strand). Cytogenetic location: 5q34.
Variant type: single nucleotide variant.
Coding change: c.*2095C>G on transcript NM_198904.4 (MANE Select); 2095 bases downstream of the stop codon, C replaced by G.
Molecular consequence: 3 prime UTR variant.
Genome position (GRCh38, 1-based): chr5:162,155,463, C>G. VCF-style: chr5-162155463-C-G. GRCh37 (hg19) VCF-style: chr5-161582469-C-G.
Other names: c.*2095C>G (NM_000816.3, NM_001375339.1, NM_001375341.1 and 10 more transcripts); c.*2357C>G (NM_001375340.1).
Identifiers: ClinVar variation 352670 (VCV000352670.5), dbSNP rs138297122, ClinGen allele CA10623939.

ClinVar aggregate classification (germline): Likely benign (1 of 4 stars; one submission).

Conditions:
EPILEPSY, CHILDHOOD ABSENCE, SUSCEPTIBILITY TO, 2 (ECA2). Identifiers: Orphanet 64280, MedGen C1843244, OMIM 607681.

Allele frequency attached by ClinVar (database versions not stated): gnomAD 0.00105 and 0.00144; TOPMed 0.00179; 1000 Genomes Project 30x 0.00687; 1000 Genomes Project 0.00719.

Submission:

Illumina Laboratory Services, Illumina
Classification: Likely benign for Febrile seizures, familial, 8. Last evaluated: 2018-01-12. Review status: criteria provided, single submitter. Criteria: ICSL Variant Classification Criteria 13 December 2019. Collection method: clinical testing. Allele origin: germline.
Comment: This variant was observed in the ICSL laboratory as part of a predisposition screen in an ostensibly healthy population. It had not been previously curated by ICSL or reported in the Human Gene Mutation Database (HGMD: prior to June 1st, 2018), and was therefore a candidate for classification through an automated scoring system. Utilizing variant allele frequency, disease prevalence and penetrance estimates, and inheritance mode, an automated score was calculated to assess if this variant is too frequent to cause the disease. Based on the score and internal cut-off values, a variant classified as likely benign is not then subjected to further curation. The score for this variant resulted in a classification of likely benign for this disease.